The following is an entry in ClinVar:

NM_176787.5(PIGN):c.2180+6A>C

Gene: PIGN (phosphatidylinositol glycan anchor biosynthesis class N; minus strand). Cytogenetic location: 18q21.33.
Variant type: single nucleotide variant.
Coding change: c.2180+6A>C on transcript NM_176787.5 (MANE Select); 6 bases into the intron after coding-DNA position 2180, A replaced by C.
Molecular consequence: intron variant.
Genome position (GRCh38, 1-based): chr18:62,095,842, T>G on the plus strand (A>C on the coding strand, the complement: PIGN is on the minus strand). VCF-style: chr18-62095842-T-G. GRCh37 (hg19) VCF-style: chr18-59763075-T-G.
Other names: c.2180+6A>C (NM_012327.6).
Identifiers: ClinVar variation 2087719 (VCV002087719.3), dbSNP rs2034157366, ClinGen allele CA991014279.
Genomic context (GRCh38, chr18:62,095,842, plus strand): 5'-AGAGAAAATATCAATATATCATTTAAAACTTGCTGCTATAAAATTAAATTGTTAAAAAGT[T>G]TATACCCTGTGCTTAGAAGTAGGTAGGTTGACATCAATGAAAGAAGTATGCTGAACAATC-3'

ClinVar aggregate classification (germline): Uncertain significance (1 of 4 stars; one submission).

Conditions:
Multiple congenital anomalies-hypotonia-seizures syndrome 1 (MCAHS1). Also called: PIGN-CDG; Congenital disorder of glycosylation due to PIGN deficiency; GLYCOSYLPHOSPHATIDYLINOSITOL BIOSYNTHESIS DEFECT 3. Identifiers: Orphanet 280633, MedGen C3279775, MONDO:0013563, OMIM 614080.

Allele frequency attached by ClinVar (database versions not stated): gnomAD exomes below 0.00001; gnomAD 0.00001.
gnomAD v4.1: 3 of 1,540,010 alleles (0.00019%); highest among the groups gnomAD compares: African/African-American, 0.0041%; no homozygotes.

Submission:

Labcorp Genetics (formerly Invitae), Labcorp
Classification: Uncertain significance for Multiple congenital anomalies-hypotonia-seizures syndrome 1. Last evaluated: 2024-10-23. Review status: criteria provided, single submitter. Criteria: Invitae Variant Classification Sherloc (09022015). Collection method: clinical testing. Allele origin: germline.
Comment: This sequence change falls in intron 23 of the PIGN gene. It does not directly change the encoded amino acid sequence of the PIGN protein. It affects a nucleotide within the consensus splice site. This variant is not present in population databases (gnomAD no frequency). This variant has not been reported in the literature in individuals affected with PIGN-related conditions. ClinVar contains an entry for this variant (Variation ID: 2087719). Variants that disrupt the consensus splice site are a relatively common cause of aberrant splicing (PMID: 17576681, 9536098). Algorithms developed to predict the effect of sequence changes on RNA splicing suggest that this variant is not likely to affect RNA splicing. In summary, the available evidence is currently insufficient to determine the role of this variant in disease. Therefore, it has been classified as a Variant of Uncertain Significance.

Literature cited by the submitters: PubMed 17576681; PubMed 9536098.